The following is an entry in ClinVar:

NM_000444.6(PHEX):c.154G>T (p.Glu52Ter)

Gene: PHEX (phosphate regulating endopeptidase homolog X-linked; plus strand). Cytogenetic location: Xp22.11.
Variant type: single nucleotide variant.
Coding change: c.154G>T on transcript NM_000444.6 (MANE Select); coding-DNA position 154, G replaced by T.
Protein change: p.Glu52Ter; replaces glutamic acid 52 with a stop codon.
Molecular consequence: nonsense.
Genome position (GRCh38, 1-based): chrX:22,038,504, G>T. VCF-style: chrX-22038504-G-T. GRCh37 (hg19) VCF-style: chrX-22056622-G-T.
Other names: c.154G>T, p.Glu52Ter (NM_001282754.2); short protein forms E52*.
Identifiers: ClinVar variation 280415 (VCV000280415.2), dbSNP rs886041626, ClinGen allele CA10603623.

ClinVar aggregate classification (germline): Pathogenic (1 of 4 stars; one submission).

Submission:

GeneDx
Classification: Pathogenic. Last evaluated: 2016-03-24. Review status: criteria provided, single submitter. Criteria: GeneDx Variant Classification (06012015). Collection method: clinical testing. Allele origin: germline. Affected: yes.
Comment: The E52X nonsense variant in the PHEX gene is predicted to cause loss of normal protein function either through protein truncation or nonsense-mediated mRNA decay. The E52X pathogenic variant was not observed in approximately 6,500 individuals of European and African American ancestry in the NHLBI Exome Sequencing Project, indicating it is not a common benign variant in these populations.